The following is an entry in ClinVar:

NM_000090.4(COL3A1):c.3524A>C (p.Glu1175Ala)

Gene: COL3A1 (collagen type III alpha 1 chain; plus strand). Cytogenetic location: 2q32.2.
Variant type: single nucleotide variant.
Coding change: c.3524A>C on transcript NM_000090.4 (MANE Select); coding-DNA position 3524, A replaced by C.
Protein change: p.Glu1175Ala; replaces glutamic acid 1175 with alanine.
Molecular consequence: missense variant.
Genome position (GRCh38, 1-based): chr2:189,008,141, A>C. VCF-style: chr2-189008141-A-C. GRCh37 (hg19) VCF-style: chr2-189872867-A-C.
Other names: short protein forms E1175A.
Identifiers: ClinVar variation 1504433 (VCV001504433.8), dbSNP rs2153503986, ClinGen allele CA349846558.

ClinVar aggregate classification (germline): Uncertain significance (1 of 4 stars; one submission).

Conditions:
Ehlers-Danlos syndrome, type 4 (EDSVASC). Also called: Ehlers-Danlos syndrome vascular type; Ehlers Danlos syndrome, ecchymotic type; Ehlers Danlos syndrome, arterial type; Ehlers Danlos syndrome, Sack-Barabas type; Ehlers-Danlos Syndrome Type IV. Identifiers: Orphanet 286, MedGen C0268338, MONDO:0017314, OMIM 130050.

Submission:

Labcorp Genetics (formerly Invitae), Labcorp
Classification: Uncertain significance for Ehlers-Danlos syndrome, type 4. Last evaluated: 2022-07-06. Review status: criteria provided, single submitter. Criteria: Invitae Variant Classification Sherloc (09022015). Collection method: clinical testing. Allele origin: germline.
Comment: In summary, the available evidence is currently insufficient to determine the role of this variant in disease. Therefore, it has been classified as a Variant of Uncertain Significance. Algorithms developed to predict the effect of missense changes on protein structure and function are either unavailable or do not agree on the potential impact of this missense change (SIFT: "Tolerated"; PolyPhen-2: "Not Available"; Align-GVGD: "Class C0"). ClinVar contains an entry for this variant (Variation ID: 1504433). This variant has not been reported in the literature in individuals affected with COL3A1-related conditions. This variant is not present in population databases (gnomAD no frequency). This sequence change replaces glutamic acid, which is acidic and polar, with alanine, which is neutral and non-polar, at codon 1175 of the COL3A1 protein (p.Glu1175Ala).